The following is an entry in ClinVar:

NM_000143.4(FH):c.1237-11C>G

Gene: FH (fumarate hydratase; minus strand). Cytogenetic location: 1q43.
Variant type: single nucleotide variant.
Coding change: c.1237-11C>G on transcript NM_000143.4 (MANE Select); 11 bases into the intron before coding-DNA position 1237, C replaced by G.
Molecular consequence: intron variant.
Genome position (GRCh38, 1-based): chr1:241,500,601, G>C on the plus strand (C>G on the coding strand, the complement: FH is on the minus strand). VCF-style: chr1-241500601-G-C. GRCh37 (hg19) VCF-style: chr1-241663901-G-C.
Other names: NC_000001.10:g.241663901G>C.
Identifiers: ClinVar variation 1696414 (VCV001696414.2), dbSNP rs2147913449, ClinGen allele CA2580063464.
Genomic context (GRCh38, chr1:241,500,601, plus strand): 5'-GAAACTGAAGCATCCCCCAGCAGCCTGGCTGAGTGTAACACATTTTTAATCTTTGAGTGA[G>C]TGAGAGAGAGAGAGAGAGAGAGAGAGAGAGAGAGAGAGACATTACTAAGGCAACATGTTT-3'

ClinVar aggregate classification (germline): Likely pathogenic (1 of 4 stars; one submission).

Conditions:
Hereditary leiomyomatosis and renal cell cancer. Also called: LEIOMYOMA, MULTIPLE CUTANEOUS; MULTIPLE CUTANEOUS AND UTERINE LEIOMYOMATA 1, WITH OR WITHOUT RENAL CELL CARCINOMA; FH tumor predisposition syndrome; Reed syndrome; Multiple cutaneous and uterine leiomyomatosis; Cutaneous leiomyomata with uterine leiomyomata. Identifiers: Orphanet 523, MedGen C1708350, MONDO:0007888, OMIM 150800, HP:0007437. Disease mechanism: loss of function.

Submissions (2):

Department of Molecular Diagnostics, Institute of Oncology Ljubljana
Classification: Likely pathogenic for Hereditary leiomyomatosis and renal cell cancer. Last evaluated: 2022-05-15. Review status: criteria provided, single submitter. Criteria: ACMG Guidelines, 2015. Collection method: clinical testing. Allele origin: germline. Affected: yes.
Comment: FH:c.1237-11C>G variant is absent from the large population studies (GnomAd). The variant is predicted to create a de novo donor splice site in exon 3 by in silico splicing tools. Functional RNA study has shown that the variant FH:c.1237-11C>G created a novel acceptor splice site, causing intron retention predicted to create an out-of-frame transcript (PMID: 35806449). The variant is not present in population database GnomAD. Therefore the variant was classified as likely pathogenic (ACMG/AMP: PM2, PP3, PS3-m, PP4)

Dr. Peter K. Rogan Lab, Western University
No classification provided (evidence only). Condition: Familial cancer of breast. Review status: no classification provided. Collection method: in vitro. Allele origin: not applicable. Functional consequence: retained intron. Not counted in ClinVar's aggregate classification.

Literature cited by the submitters: PubMed 35806449 (cited by Department of Molecular Diagnostics, Institute of Oncology Ljubljana).